The following is an entry in ClinVar:

NM_000202.8(IDS):c.227A>G (p.Asn76Ser)

Gene: IDS (iduronate 2-sulfatase; minus strand). Cytogenetic location: Xq28.
Variant type: single nucleotide variant.
Coding change: c.227A>G on transcript NM_000202.8 (MANE Select); coding-DNA position 227, A replaced by G.
Protein change: p.Asn76Ser; replaces asparagine 76 with serine.
Molecular consequence: missense variant. On other transcripts: initiator codon variant (1), non-coding transcript variant (1).
Genome position (GRCh38, 1-based): chrX:149,504,170, T>C on the plus strand (A>G on the coding strand, the complement: IDS is on the minus strand). VCF-style: chrX-149504170-T-C. GRCh37 (hg19) VCF-style: chrX-148585700-T-C.
Other names: c.1A>G, p.Met1Val (NM_001166550.4); c.227A>G, p.Asn76Ser (NM_006123.5); short protein forms M1V, N76S.
Identifiers: ClinVar variation 2005143 (VCV002005143.5), dbSNP rs2520900734, ClinGen allele CA414527203.

ClinVar aggregate classification (germline): Uncertain significance (1 of 4 stars; one submission).

Conditions:
Mucopolysaccharidosis, MPS-II (MPS2). Also called: Mucopolysaccharidosis Type II; Sulfoiduronate sulfatase deficiency; SIDS deficiency; Mucopolysaccharidosis type 2; Attenuated MPS (subtype; formerly known as mild MPS II); Severe MPS II. Identifiers: Orphanet 580, Orphanet 79388, MedGen C0026705, MONDO:0010674, OMIM 309900.

Submission:

Labcorp Genetics (formerly Invitae), Labcorp
Classification: Uncertain significance for Mucopolysaccharidosis, MPS-II. Last evaluated: 2022-06-30. Review status: criteria provided, single submitter. Criteria: Invitae Variant Classification Sherloc (09022015). Collection method: clinical testing. Allele origin: germline.
Comment: This sequence change replaces asparagine, which is neutral and polar, with serine, which is neutral and polar, at codon 76 of the IDS protein (p.Asn76Ser). In summary, the available evidence is currently insufficient to determine the role of this variant in disease. Therefore, it has been classified as a Variant of Uncertain Significance. Algorithms developed to predict the effect of missense changes on protein structure and function are either unavailable or do not agree on the potential impact of this missense change (SIFT: "Tolerated"; PolyPhen-2: "Possibly Damaging"; Align-GVGD: "Class C0"). This variant has not been reported in the literature in individuals affected with IDS-related conditions. This variant is not present in population databases (gnomAD no frequency).